The following is an entry in ClinVar:

NM_004628.5(XPC):c.1677C>A (p.Tyr559Ter)

Gene: XPC (XPC complex subunit, DNA damage recognition and repair factor; minus strand). Cytogenetic location: 3p25.1.
Variant type: single nucleotide variant.
Coding change: c.1677C>A on transcript NM_004628.5 (MANE Select); coding-DNA position 1677, C replaced by A.
Protein change: p.Tyr559Ter; replaces tyrosine 559 with a stop codon.
Molecular consequence: nonsense. On other transcripts: non-coding transcript variant (2), intron variant (1).
Genome position (GRCh38, 1-based): chr3:14,158,206, G>T on the plus strand (C>A on the coding strand, the complement: XPC is on the minus strand). VCF-style: chr3-14158206-G-T. GRCh37 (hg19) VCF-style: chr3-14199706-G-T.
Other names: c.1098C>A, p.Tyr366Ter (NM_001354726.2); c.1677C>A, p.Tyr559Ter (NM_001354727.2); c.1659C>A, p.Tyr553Ter (NM_001354729.2); c.1626+51C>A (NM_001354730.2); short protein forms Y559*, Y366*, Y553*.
Identifiers: ClinVar variation 190211 (VCV000190211.3), dbSNP rs767569346, ClinGen allele CA274754.

ClinVar aggregate classification (germline): Pathogenic. Review status: criteria provided, multiple submitters, no conflicts (2 of 4 stars). 3 submissions from 3 submitters: Pathogenic (2). 1 of the submissions does not count toward it. Last evaluated 2025-12-16.

Conditions:
Xeroderma pigmentosum, group C (XPC). Also called: Xeroderma pigmentosum, complementation group C; XERODERMA PIGMENTOSUM III; XP, GROUP C; XPC-Related Xeroderma Pigmentosum. Identifiers: Orphanet 910, MedGen C2752147, MONDO:0010211, OMIM 278720.

gnomAD v4.1: 3 of 1,613,932 alleles (0.00019%); highest among the groups gnomAD compares: African/African-American, 0.0027%; no homozygotes.

Submissions (3):

Labcorp Genetics (formerly Invitae), Labcorp
Classification: Pathogenic. Last evaluated: 2025-12-16. Review status: criteria provided, single submitter. Criteria: Invitae Variant Classification Sherloc (09022015). Collection method: clinical testing. Allele origin: germline.
Comment: This sequence change creates a premature translational stop signal (p.Tyr559*) in the XPC gene. It is expected to result in an absent or disrupted protein product. Loss-of-function variants in XPC are known to be pathogenic (PMID: 23173980, 25256075). This variant is not present in population databases (gnomAD no frequency). This premature translational stop signal has been observed in individual(s) with xeroderma pigmentosum (PMID: 33502802). In at least one individual the data is consistent with being in trans (on the opposite chromosome) from a pathogenic variant. ClinVar contains an entry for this variant (Variation ID: 190211). For these reasons, this variant has been classified as Pathogenic.

Claritas Genomics
Classification: Pathogenic for Xeroderma pigmentosum, group C. Last evaluated: 2010-03-01. Review status: criteria provided, single submitter. Criteria: ACMG Guidelines, 2007. Collection method: clinical testing. Allele origin: germline. Inheritance: Autosomal recessive inheritance.

Counsyl
Classification: Pathogenic for Xeroderma pigmentosum, group C. Last evaluated: 2017-08-25. Review status: no assertion criteria provided. Collection method: clinical testing. Allele origin: unknown. Not counted in ClinVar's aggregate classification.

Literature cited by the submitters: PubMed 23173980 (cited by Labcorp Genetics (formerly Invitae), Labcorp); PubMed 25256075 (cited by Labcorp Genetics (formerly Invitae), Labcorp); PubMed 33502802 (cited by Labcorp Genetics (formerly Invitae), Labcorp); PubMed 23278166 (cited by Counsyl); PubMed 25566891 (cited by Counsyl).